The following is an entry in ClinVar:

ClinVar aggregate classification (germline): Benign (0 of 4 stars; one submission).

Conditions:
EP400-related disorder. Also called: EP400-related condition.

Allele frequency attached by ClinVar (database versions not stated): ESP Exome Variant Server 0.08611; gnomAD 0.10532; TOPMed 0.10979; gnomAD exomes 0.12392; ExAC 0.14069; 1000 Genomes Project 30x 0.15881; 1000 Genomes Project 0.16733.
gnomAD v4.1: 197,428 of 1,610,658 alleles (12%); highest among the groups gnomAD compares: East Asian, 53%; 17,047 homozygotes.

Submission:

PreventionGenetics, part of Exact Sciences
Classification: Benign for EP400-related condition. Last evaluated: 2019-10-21. Review status: no assertion criteria provided. Collection method: clinical testing. Allele origin: germline.
Comment: This variant is classified as benign based on ACMG/AMP sequence variant interpretation guidelines (Richards et al. 2015 PMID: 25741868, with internal and published modifications).

NM_015409.5(EP400):c.8874+9G>A

Gene: EP400 (E1A binding protein p400; plus strand). Cytogenetic location: 12q24.33.
Variant type: single nucleotide variant.
Coding change: c.8874+9G>A on transcript NM_015409.5 (MANE Select); 9 bases into the intron after coding-DNA position 8874, G replaced by A.
Molecular consequence: intron variant.
Genome position (GRCh38, 1-based): chr12:132,067,495, G>A. VCF-style: chr12-132067495-G-A. GRCh37 (hg19) VCF-style: chr12-132552040-G-A.
Identifiers: ClinVar variation 3060772 (VCV003060772.2), dbSNP rs11246912, ClinGen allele CA6887325.